The following is an entry in ClinVar:

NM_000245.4(MET):c.2687T>C (p.Val896Ala)

Gene: MET (MET proto-oncogene, receptor tyrosine kinase; plus strand). Cytogenetic location: 7q31.2.
Variant type: single nucleotide variant.
Coding change: c.2687T>C on transcript NM_000245.4 (MANE Select); coding-DNA position 2687, T replaced by C.
Protein change: p.Val896Ala; replaces valine 896 with alanine.
Molecular consequence: missense variant.
Genome position (GRCh38, 1-based): chr7:116,769,748, T>C. VCF-style: chr7-116769748-T-C. GRCh37 (hg19) VCF-style: chr7-116409802-T-C.
Other names: c.2741T>C, p.Val914Ala (NM_001127500.3); c.2687T>C, p.Val896Ala (NM_001324401.3); c.1397T>C, p.Val466Ala (NM_001324402.2); short protein forms V914A, V466A, V896A.
Identifiers: ClinVar variation 1795449 (VCV001795449.2), dbSNP rs1794771881, ClinGen allele CA368985724.

ClinVar aggregate classification (germline): Uncertain significance (1 of 4 stars; one submission).

Conditions:
Hereditary cancer-predisposing syndrome. Also called: Tumor predisposition; Hereditary Cancer Syndrome; Neoplastic Syndromes, Hereditary; Hereditary neoplastic syndrome. Identifiers: Orphanet 140162, MedGen C0027672, MeSH D009386, MONDO:0015356.

Submission:

Ambry Genetics
Classification: Uncertain significance for Hereditary cancer-predisposing syndrome. Last evaluated: 2022-02-08. Review status: criteria provided, single submitter. Criteria: Ambry Variant Classification Scheme 2023. Collection method: clinical testing. Allele origin: germline.
Comment: The p.V914A variant (also known as c.2741T>C), located in coding exon 11 of the MET gene, results from a T to C substitution at nucleotide position 2741. The valine at codon 914 is replaced by alanine, an amino acid with similar properties. This amino acid position is conserved. In addition, the in silico prediction for this alteration is inconclusive. Since supporting evidence is limited at this time, the clinical significance of this alteration remains unclear.